The following is an entry in ClinVar:

ClinVar aggregate classification (germline): Likely pathogenic (1 of 4 stars; one submission).

Conditions:
Dilated cardiomyopathy 1I (CMD1I). Identifiers: Orphanet 154, MedGen C1858154, MONDO:0011482, OMIM 604765.

Submission:

Agnes Ginges Centre for Molecular Cardiology, Centenary Institute
Classification: Likely pathogenic for Dilated cardiomyopathy 1I. Last evaluated: 2020-04-02. Review status: criteria provided, single submitter. Criteria: ACMG Guidelines, 2015. Collection method: research. Allele origin: germline. Inheritance: Autosomal dominant inheritance. Affected: yes. Observed: 1 heterozygote.
Comment: DES Val126Leu has not been previously reported. This variant is absent from the Genome Aggregation Database. Computation tools SIFT, PolyPhen-2, MutationTaster and CADD all predict this variant to be deleterious. Based on the ACMG guidelines (Richards S, et al., 2015) this variant is a confirmed de novo event (PS2), is absent in the general population (PM2) and in silico tools predict this variant to be disease-causing (PP3). Therefore, we classify DES Val126Leu as 'likely pathogenic'.

NM_001927.4(DES):c.376G>C (p.Val126Leu)

Gene: DES (desmin; plus strand). Cytogenetic location: 2q35.
Variant type: single nucleotide variant.
Coding change: c.376G>C on transcript NM_001927.4 (MANE Select); coding-DNA position 376, G replaced by C.
Protein change: p.Val126Leu; replaces valine 126 with leucine.
Molecular consequence: missense variant.
Genome position (GRCh38, 1-based): chr2:219,418,838, G>C. VCF-style: chr2-219418838-G-C. GRCh37 (hg19) VCF-style: chr2-220283560-G-C.
Other names: c.376G>C, p.Val126Leu (NM_001382708.1, NM_001382709.1, NM_001382710.1 and 3 more transcripts); short protein forms V126L.
Identifiers: ClinVar variation 3767288 (VCV003767288.1).